The following is an entry in ClinVar:

ClinVar aggregate classification (germline): Likely pathogenic (1 of 4 stars; one submission).

Conditions:
Marfan syndrome (MFS). Also called: MARFAN SYNDROME, TYPE I; Marfan syndrome type 1; Marfan's syndrome; Marfan syndrome, classic; FBN1-Related Marfan Syndrome. Identifiers: Orphanet 284963, Orphanet 558, MedGen C0024796, MONDO:0007947, OMIM 154700.
Familial thoracic aortic aneurysm and aortic dissection (TAAD). Also called: Thoracic aortic aneurysms and dissections. Identifiers: Orphanet 91387, MedGen C4707243, MONDO:0019625.

Submission:

Labcorp Genetics (formerly Invitae), Labcorp
Classification: Likely pathogenic for Marfan syndrome; Familial thoracic aortic aneurysm and aortic dissection. Last evaluated: 2023-08-11. Review status: criteria provided, single submitter. Criteria: Invitae Variant Classification Sherloc (09022015). Collection method: clinical testing. Allele origin: germline.
Comment: In summary, the currently available evidence indicates that the variant is pathogenic, but additional data are needed to prove that conclusively. Therefore, this variant has been classified as Likely Pathogenic. This variant affects a cysteine residue in the EGF-like, TGFBP or hybrid motif domains of FBN1. Cysteine residues are believed to be involved in intramolecular disulfide bridges and have been shown to be important for FBN1 protein structure (PMID: 16905551, 19349279). In addition, missense substitutions affecting cysteine residues within these domains are significantly overrepresented among patients with Marfan syndrome (PMID: 16571647, 17701892). Advanced modeling of protein sequence and biophysical properties (such as structural, functional, and spatial information, amino acid conservation, physicochemical variation, residue mobility, and thermodynamic stability) performed at Invitae indicates that this missense variant is expected to disrupt FBN1 protein function. This missense change has been observed in individual(s) with Marfan syndrome (Invitae). This variant is not present in population databases (gnomAD no frequency). This sequence change replaces cysteine, which is neutral and slightly polar, with glycine, which is neutral and non-polar, at codon 2190 of the FBN1 protein (p.Cys2190Gly).

Literature cited by the submitters: PubMed 16905551; PubMed 19349279; PubMed 16571647; PubMed 17701892.

NM_000138.5(FBN1):c.6568T>G (p.Cys2190Gly)

Gene: FBN1 (fibrillin 1; minus strand). Cytogenetic location: 15q21.1.
Variant type: single nucleotide variant.
Coding change: c.6568T>G on transcript NM_000138.5 (MANE Select); coding-DNA position 6568, T replaced by G.
Protein change: p.Cys2190Gly; replaces cysteine 2190 with glycine.
Molecular consequence: missense variant.
Genome position (GRCh38, 1-based): chr15:48,434,642, A>C on the plus strand (T>G on the coding strand, the complement: FBN1 is on the minus strand). VCF-style: chr15-48434642-A-C. GRCh37 (hg19) VCF-style: chr15-48726839-A-C.
Other names: c.6568T>G, p.Cys2190Gly (NM_001406716.1); short protein forms C2190G.
Identifiers: ClinVar variation 2950933 (VCV002950933.3), dbSNP rs1566895263, ClinGen allele CA392334897.